The following is an entry in ClinVar:

NM_032776.3(JMJD1C):c.6707A>C (p.Lys2236Thr)

Gene: JMJD1C (jumonji domain containing 1C; minus strand). Cytogenetic location: 10q21.3.
Variant type: single nucleotide variant.
Coding change: c.6707A>C on transcript NM_032776.3 (MANE Select); coding-DNA position 6707, A replaced by C.
Protein change: p.Lys2236Thr; replaces lysine 2236 with threonine.
Molecular consequence: missense variant. On other transcripts: non-coding transcript variant (1).
Genome position (GRCh38, 1-based): chr10:63,186,247, T>G on the plus strand (A>C on the coding strand, the complement: JMJD1C is on the minus strand). VCF-style: chr10-63186247-T-G. GRCh37 (hg19) VCF-style: chr10-64946007-T-G.
Other names: c.6707A>C (NM_032776.1); c.6161A>C, p.Lys2054Thr (NM_001282948.2, NM_001318154.2); c.5843A>C, p.Lys1948Thr (NM_001318153.2); c.6593A>C, p.Lys2198Thr (NM_001322252.2); c.6050A>C, p.Lys2017Thr (NM_001322254.2, NM_001322258.2); short protein forms K2198T, K2236T, K2017T, K2054T, K1948T.
Identifiers: ClinVar variation 843868 (VCV000843868.8), dbSNP rs370493099, ClinGen allele CA5517814.

ClinVar aggregate classification (germline): Uncertain significance. Review status: criteria provided, multiple submitters, no conflicts (2 of 4 stars). 2 submissions from 2 submitters: Uncertain significance (2). Last evaluated 2025-03-19.

Conditions:
Early Myoclonic Encephalopathy. Identifiers: MedGen C0270855.

Allele frequency attached by ClinVar (database versions not stated): ExAC 0.00003; gnomAD 0.00003; gnomAD exomes 0.00004; ESP Exome Variant Server 0.00008; TOPMed 0.00004.
gnomAD v4.1: 58 of 1,611,808 alleles (0.0036%); highest among the groups gnomAD compares: Middle Eastern, 0.033%; no homozygotes.

Submissions (2):

Ambry Genetics
Classification: Uncertain significance. Last evaluated: 2025-03-19. Review status: criteria provided, single submitter. Criteria: Ambry Variant Classification Scheme 2023. Collection method: clinical testing. Allele origin: germline.

Labcorp Genetics (formerly Invitae), Labcorp
Classification: Uncertain significance for Early Myoclonic Encephalopathy. Last evaluated: 2025-01-13. Review status: criteria provided, single submitter. Criteria: Invitae Variant Classification Sherloc (09022015). Collection method: clinical testing. Allele origin: germline.
Comment: This sequence change replaces lysine, which is basic and polar, with threonine, which is neutral and polar, at codon 2236 of the JMJD1C protein (p.Lys2236Thr). This variant is present in population databases (rs370493099, gnomAD 0.009%). This variant has not been reported in the literature in individuals affected with JMJD1C-related conditions. ClinVar contains an entry for this variant (Variation ID: 843868). Invitae Evidence Modeling of protein sequence and biophysical properties (such as structural, functional, and spatial information, amino acid conservation, physicochemical variation, residue mobility, and thermodynamic stability) indicates that this missense variant is expected to disrupt JMJD1C protein function with a positive predictive value of 80%. In summary, the available evidence is currently insufficient to determine the role of this variant in disease. Therefore, it has been classified as a Variant of Uncertain Significance.